The following is an entry in ClinVar:

ClinVar aggregate classification (germline): Uncertain significance (1 of 4 stars; one submission).

gnomAD v4.1: 3 of 1,613,720 alleles (0.00019%); highest among the groups gnomAD compares: Non-Finnish European, 0.00025%; no homozygotes.

Submission:

Labcorp Genetics (formerly Invitae), Labcorp
Classification: Uncertain significance. Last evaluated: 2024-12-12. Review status: criteria provided, single submitter. Criteria: Invitae Variant Classification Sherloc (09022015). Collection method: clinical testing. Allele origin: germline.
Comment: This sequence change falls in intron 8 of the LONP1 gene. It does not directly change the encoded amino acid sequence of the LONP1 protein. It affects a nucleotide within the consensus splice site. This variant is not present in population databases (gnomAD no frequency). This variant has not been reported in the literature in individuals affected with LONP1-related conditions. Variants that disrupt the consensus splice site are a relatively common cause of aberrant splicing (PMID: 17576681, 9536098). Algorithms developed to predict the effect of sequence changes on RNA splicing suggest that this variant is not likely to affect RNA splicing. In summary, the available evidence is currently insufficient to determine the role of this variant in disease. Therefore, it has been classified as a Variant of Uncertain Significance.

Literature cited by the submitters: PubMed 17576681; PubMed 9536098.

NM_004793.4(LONP1):c.1367+3G>A

Gene: LONP1 (lon peptidase 1, mitochondrial; minus strand). Cytogenetic location: 19p13.3.
Variant type: single nucleotide variant.
Coding change: c.1367+3G>A on transcript NM_004793.4 (MANE Select); 3 bases into the intron after coding-DNA position 1367, G replaced by A.
Molecular consequence: intron variant.
Genome position (GRCh38, 1-based): chr19:5,705,769, C>T on the plus strand (G>A on the coding strand, the complement: LONP1 is on the minus strand). VCF-style: chr19-5705769-C-T. GRCh37 (hg19) VCF-style: chr19-5705780-C-T.
Other names: c.779+3G>A (NM_001276480.1); c.1175+3G>A (NM_001276479.2).
Identifiers: ClinVar variation 3649352 (VCV003649352.2).